The following is an entry in ClinVar:

NM_001163435.3(TBCK):c.304C>T (p.Gln102Ter)

Gene: TBCK (TBC1 domain containing kinase; minus strand). Cytogenetic location: 4q24.
Variant type: single nucleotide variant.
Coding change: c.304C>T on transcript NM_001163435.3 (MANE Select); coding-DNA position 304, C replaced by T.
Protein change: p.Gln102Ter; replaces glutamine 102 with a stop codon.
Molecular consequence: nonsense. On other transcripts: 5 prime UTR variant (1), intron variant (1).
Genome position (GRCh38, 1-based): chr4:106,262,175, G>A on the plus strand (C>T on the coding strand, the complement: TBCK is on the minus strand). VCF-style: chr4-106262175-G-A. GRCh37 (hg19) VCF-style: chr4-107183332-G-A.
Other names: c.304C>T, p.Gln102Ter (NM_001163436.4, NM_001163437.3); c.-314C>T (NM_001290768.2); c.267-10168C>T (NM_033115.5); short protein forms Q102*.
Identifiers: ClinVar variation 987451 (VCV000987451.6), dbSNP rs1330115613, ClinGen allele CA357970450.
Genomic context (GRCh38, chr4:106,262,175, plus strand): 5'-TATTATGAGGAGACAATGCCCTGTGTACTATACCATGTTTGTTCATATACTGCAAGCCCT[G>A]AAGAACCTCAAATGCTATACACAAAACCGTTGAACAGCTACAAAGAAAACAAAAAGTCAA-3'

ClinVar aggregate classification (germline): Pathogenic/Likely pathogenic. Review status: criteria provided, multiple submitters, no conflicts (2 of 4 stars). 3 submissions from 3 submitters: Pathogenic (2); Likely pathogenic (1). Last evaluated 2025-03-03.

Submissions (3):

Labcorp Genetics (formerly Invitae), Labcorp
Classification: Pathogenic. Last evaluated: 2025-03-03. Review status: criteria provided, single submitter. Criteria: Invitae Variant Classification Sherloc (09022015). Collection method: clinical testing. Allele origin: germline.
Comment: This sequence change creates a premature translational stop signal (p.Gln102*) in the TBCK gene. It is expected to result in an absent or disrupted protein product. Loss-of-function variants in TBCK are known to be pathogenic (PMID: 27040692, 30103036). This variant is not present in population databases (gnomAD no frequency). This premature translational stop signal has been observed in individual(s) with clinical features of TBCK-related conditions (PMID: 28703315, 30591081). ClinVar contains an entry for this variant (Variation ID: 987451). Algorithms developed to predict the effect of sequence changes on RNA splicing suggest that this variant may disrupt the consensus splice site. For these reasons, this variant has been classified as Pathogenic.

GeneDx
Classification: Pathogenic. Last evaluated: 2022-09-06. Review status: criteria provided, single submitter. Criteria: GeneDx Variant Classification Process June 2021. Collection method: clinical testing. Allele origin: germline. Affected: yes.
Comment: Nonsense variant predicted to result in protein truncation or nonsense mediated decay in a gene for which loss-of-function is a known mechanism of disease; Not observed at significant frequency in large population cohorts (gnomAD); This variant is associated with the following publications: (PMID: 28703315, 30591081)

Institute of Medical Genetics and Applied Genomics, University Hospital Tübingen
Classification: Likely pathogenic. Last evaluated: 2020-10-23. Review status: criteria provided, single submitter. Criteria: ACMG Guidelines, 2015. Collection method: clinical testing. Allele origin: germline. Inheritance: Unknown mechanism. Affected: yes.

Literature cited by the submitters: PubMed 27040692 (cited by Labcorp Genetics (formerly Invitae), Labcorp); PubMed 30103036 (cited by Labcorp Genetics (formerly Invitae), Labcorp); PubMed 28703315 (cited by Labcorp Genetics (formerly Invitae), Labcorp); PubMed 30591081 (cited by Labcorp Genetics (formerly Invitae), Labcorp).